The following is an entry in ClinVar:

NM_000548.5(TSC2):c.2476C>A (p.Leu826Met)

Gene: TSC2 (TSC complex subunit 2; plus strand). Cytogenetic location: 16p13.3.
Variant type: single nucleotide variant.
Coding change: c.2476C>A on transcript NM_000548.5 (MANE Select); coding-DNA position 2476, C replaced by A.
Protein change: p.Leu826Met; replaces leucine 826 with methionine.
Molecular consequence: missense variant.
Genome position (GRCh38, 1-based): chr16:2,074,320, C>A. VCF-style: chr16-2074320-C-A. GRCh37 (hg19) VCF-style: chr16-2124321-C-A.
Other names: p.L826M:CTG>ATG; c.2476C>A, p.Leu826Met (NM_001077183.3, NM_001114382.3, NM_001363528.2 and 3 more transcripts); c.2365C>A, p.Leu789Met (NM_001318827.2); c.2329C>A, p.Leu777Met (NM_001318829.2); c.1876C>A, p.Leu626Met (NM_001318831.2); c.2509C>A, p.Leu837Met (NM_001318832.2); c.2476C>A (NM_000548.4); short protein forms L826M, L837M, L626M, L777M, L789M.
Identifiers: ClinVar variation 41732 (VCV000041732.73), dbSNP rs45517238, ClinGen allele CA017492.

ClinVar aggregate classification (germline): Conflicting classifications of pathogenicity. Review status: criteria provided, conflicting classifications (1 of 4 stars). 24 submissions from 24 submitters: Uncertain significance (1); Benign (8); Likely benign (9). 6 of the submissions do not count toward it. Last evaluated 2026-06-01.

Conditions:
Hereditary cancer-predisposing syndrome. Also called: Tumor predisposition; Neoplastic Syndromes, Hereditary; Hereditary Cancer Syndrome; Hereditary neoplastic syndrome. Identifiers: Orphanet 140162, MedGen C0027672, MeSH D009386, MONDO:0015356.
Tuberous sclerosis syndrome (TSC). Also called: Tuberous Sclerosis Complex; Tuberous sclerosis. Identifiers: Orphanet 805, MedGen C0041341, MONDO:0001734.
Tuberous sclerosis 2 (TSC2). Identifiers: Orphanet 805, MedGen C1860707, MONDO:0013199, OMIM 613254.

Allele frequency attached by ClinVar (database versions not stated): 1000 Genomes Project 30x 0.00016; 1000 Genomes Project 0.00020; ExAC 0.00057; gnomAD exomes 0.00068; gnomAD 0.00070 and 0.00073; TOPMed 0.00076; ESP Exome Variant Server 0.00085.
gnomAD v4.1: 2,182 of 1,613,066 alleles (0.14%); highest among the groups gnomAD compares: Non-Finnish European, 0.17%; no homozygotes.

Submissions (24):

CeGaT Center for Human Genetics Tuebingen
Classification: Likely benign. Last evaluated: 2026-06-01. Review status: criteria provided, single submitter. Criteria: CeGaT Center For Human Genetics Tuebingen Variant Classification Criteria Version 2. Collection method: clinical testing. Allele origin: germline. Affected: yes. Observed: 17 variant alleles.
Comment: TSC2: PM5, BS1

Labcorp Genetics (formerly Invitae), Labcorp
Classification: Benign for Tuberous sclerosis 2. Last evaluated: 2026-02-02. Review status: criteria provided, single submitter. Criteria: Invitae Variant Classification Sherloc (09022015). Collection method: clinical testing. Allele origin: germline.

Myriad Genetics, Inc.
Classification: Benign for Tuberous sclerosis 2. Last evaluated: 2025-05-20. Review status: criteria provided, single submitter. Criteria: Myriad Autosomal Dominant, Autosomal Recessive and X-Linked Classification Criteria (2023). Collection method: clinical testing. Allele origin: unknown.
Comment: This variant is considered benign. This variant has been observed at a population frequency that is significantly greater than expected given the associated disease prevalence and penetrance. Homozygosity has been confirmed in one or more individuals. As homozygosity for pathogenic variants in this gene is generally assumed to result in embryonic lethality, this variant is unlikely to be pathogenic.

ARUP Laboratories, Molecular Genetics and Genomics, ARUP Laboratories
Classification: Benign. Last evaluated: 2025-05-07. Review status: criteria provided, single submitter. Criteria: ARUP Molecular Germline Variant Investigation Process 2024. Collection method: clinical testing. Allele origin: germline.

Blueprint Genetics
Classification: Likely benign. Last evaluated: 2024-10-16. Review status: criteria provided, single submitter. Criteria: ACMG Guidelines, 2015. Collection method: clinical testing. Allele origin: germline.

Color Diagnostics, LLC DBA Color Health
Classification: Benign for Tuberous sclerosis syndrome. Last evaluated: 2022-08-10. Review status: criteria provided, single submitter. Criteria: ACMG Guidelines, 2015. Collection method: clinical testing. Allele origin: germline.

Women's Health and Genetics/Laboratory Corporation of America, LabCorp
Classification: Likely benign. Last evaluated: 2021-12-10. Review status: criteria provided, single submitter. Criteria: LabCorp Variant Classification Summary - May 2015. Collection method: clinical testing. Allele origin: germline.

Genome-Nilou Lab
Classification: Benign for Tuberous sclerosis 2. Last evaluated: 2021-11-07. Review status: criteria provided, single submitter. Criteria: ACMG Guidelines, 2015. Collection method: clinical testing. Allele origin: germline. Affected: no.

Institute for Clinical Genetics, University Hospital TU Dresden, University Hospital TU Dresden
Classification: Likely benign. Last evaluated: 2021-11-03. Review status: criteria provided, single submitter. Criteria: ACMG Guidelines, 2015. Collection method: clinical testing. Allele origin: germline.

Sema4
Classification: Benign for Hereditary cancer-predisposing syndrome. Last evaluated: 2020-11-10. Review status: criteria provided, single submitter. Criteria: Sema4 Curation Guidelines. Collection method: curation. Allele origin: germline.

Mendelics
Classification: Likely benign for Tuberous sclerosis 2. Last evaluated: 2019-05-28. Review status: criteria provided, single submitter. Criteria: Mendelics Assertion Criteria 2017. Collection method: clinical testing. Allele origin: unknown.

Illumina Laboratory Services, Illumina
Classification: Likely benign for Tuberous sclerosis syndrome. Last evaluated: 2019-03-14. Review status: criteria provided, single submitter. Criteria: ICSL Variant Classification Criteria 13 December 2019. Collection method: clinical testing. Allele origin: germline.
Comment: This variant was observed as part of a predisposition screen in an ostensibly healthy population. A literature search was performed for the gene, cDNA change, and amino acid change (where applicable). Publications were found based on this search. The evidence from the literature, in combination with allele frequency data from public databases where available, was sufficient to determine this variant is unlikely to cause disease. Therefore, this variant is classified as likely benign.

Ambry Genetics
Classification: Benign for Hereditary cancer-predisposing syndrome. Last evaluated: 2018-08-27. Review status: criteria provided, single submitter. Criteria: Ambry Variant Classification Scheme 2023. Collection method: clinical testing. Allele origin: germline.

Genetic Services Laboratory, University of Chicago
Classification: Likely benign. Last evaluated: 2016-08-23. Review status: criteria provided, single submitter. Criteria: ACMG Guidelines, 2015. Collection method: clinical testing. Allele origin: germline. Affected: no.

GeneDx
Classification: Benign. Last evaluated: 2016-07-05. Review status: criteria provided, single submitter. Criteria: GeneDx Variant Classification (06012015). Collection method: clinical testing. Allele origin: germline. Affected: yes.
Comment: This variant is considered likely benign or benign based on one or more of the following criteria: it is a conservative change, it occurs at a poorly conserved position in the protein, it is predicted to be benign by multiple in silico algorithms, and/or has population frequency not consistent with disease.

Laboratory for Molecular Medicine, Mass General Brigham Personalized Medicine
Classification: Uncertain significance. Last evaluated: 2016-04-25. Review status: criteria provided, single submitter. Criteria: LMM Criteria. Collection method: clinical testing. Allele origin: germline.
Comment: Variant identified in a genome or exome case(s) and assessed due to predicted null impact of the variant or pathogenic assertions in the literature or databases. Disclaimer: This variant has not undergone full assessment. The following are preliminary notes: ExAC: 0.1% (62/65736) European chromsomes; ClinVar: 4 labs classify as LB.

Center for Pediatric Genomic Medicine, Children's Mercy Hospital and Clinics
Classification: Likely benign. Last evaluated: 2015-10-05. Review status: criteria provided, single submitter. Criteria: ACMG Guidelines, 2015. Collection method: clinical testing. Allele origin: germline.
ClinVar note: Converted during submission from Likely Benign to Likely benign.

Eurofins Ntd Llc (ga)
Classification: Likely benign. Last evaluated: 2015-01-13. Review status: criteria provided, single submitter. Criteria: EGL Classification Definitions 2015. Collection method: clinical testing. Allele origin: germline. Observed: 1 variant allele, 1 heterozygote.

CSER _CC_NCGL, University of Washington
Classification: Likely benign for Tuberous sclerosis. Last evaluated: 2014-06-01. Review status: no assertion criteria provided. Collection method: research. Allele origin: germline. Inheritance: Autosomal dominant inheritance. Study: ESP 6500 variant annotation. Not counted in ClinVar's aggregate classification.
Comment: Variants classified for the Actionable exomic incidental findings in 6503 participants: challenges of variant classification manuscript

Biesecker Lab/Clinical Genomics Section, National Institutes of Health
Classification: Likely benign. Last evaluated: 2012-07-13. Review status: no assertion criteria provided. Collection method: research. Allele origin: germline. Affected: no. Observed: 1 variant allele. Study: ClinSeq. Not counted in ClinVar's aggregate classification.
ClinVar note: Converted during submission from probably not pathogenic to Likely benign.

Clinical Genetics DNA and cytogenetics Diagnostics Lab, Erasmus MC, Erasmus Medical Center
Classification: Benign. Review status: no assertion criteria provided. Collection method: clinical testing. Allele origin: germline. Affected: yes. Study: VKGL Data-share Consensus. Not counted in ClinVar's aggregate classification.

Clinical Genetics, Academic Medical Center
Classification: Likely benign. Review status: no assertion criteria provided. Collection method: clinical testing. Allele origin: germline. Affected: yes. Study: VKGL Data-share Consensus. Not counted in ClinVar's aggregate classification.

Genome Diagnostics Laboratory, Amsterdam University Medical Center
Classification: Likely benign. Review status: no assertion criteria provided. Collection method: clinical testing. Allele origin: germline. Affected: yes. Study: VKGL Data-share Consensus. Not counted in ClinVar's aggregate classification.

Tuberous sclerosis database (TSC2)
No classification provided. Condition: TSC. Review status: no classification provided. Criteria: Tuberous Sclerosis Database Assertion Criteria 2015. Collection method: curation. Allele origin: germline. Affected: yes. Not counted in ClinVar's aggregate classification.

Literature cited by the submitters: PubMed 15483652 (cited by 3 submitters); PubMed 9829910 (cited by Illumina Laboratory Services, Illumina and Ambry Genetics); PubMed 17120248 (cited by Illumina Laboratory Services, Illumina and Ambry Genetics); PubMed 15798777 (cited by Ambry Genetics); PubMed 21309039 (cited by Ambry Genetics); PubMed 24055113 (cited by Ambry Genetics); PubMed 26489027 (cited by Ambry Genetics).